The following is an entry in ClinVar:

ClinVar aggregate classification (germline): Uncertain significance. Review status: criteria provided, multiple submitters, no conflicts (2 of 4 stars). 2 submissions from 2 submitters: Uncertain significance (2). Last evaluated 2024-08-08.

Conditions:
Cardiovascular phenotype. Identifiers: MedGen CN230736.

gnomAD v4.1: 1 of 1,614,132 alleles (0.000062%); highest among the groups gnomAD compares: Non-Finnish European, 0.000085%; no homozygotes.

Submissions (2):

Labcorp Genetics (formerly Invitae), Labcorp
Classification: Uncertain significance. Last evaluated: 2024-08-08. Review status: criteria provided, single submitter. Criteria: Invitae Variant Classification Sherloc (09022015). Collection method: clinical testing. Allele origin: germline.
Comment: This sequence change replaces lysine, which is basic and polar, with methionine, which is neutral and non-polar, at codon 1481 of the ALPK3 protein (p.Lys1481Met). This variant is not present in population databases (gnomAD no frequency). This variant has not been reported in the literature in individuals affected with ALPK3-related conditions. Advanced modeling of protein sequence and biophysical properties (such as structural, functional, and spatial information, amino acid conservation, physicochemical variation, residue mobility, and thermodynamic stability) performed at Invitae indicates that this missense variant is expected to disrupt ALPK3 protein function with a positive predictive value of 80%. In summary, the available evidence is currently insufficient to determine the role of this variant in disease. Therefore, it has been classified as a Variant of Uncertain Significance.

Ambry Genetics
Classification: Uncertain significance for Cardiovascular phenotype. Last evaluated: 2024-04-20. Review status: criteria provided, single submitter. Criteria: Ambry Variant Classification Scheme 2023. Collection method: clinical testing. Allele origin: germline.
Comment: The p.K1481M variant (also known as c.4442A>T), located in coding exon 7 of the ALPK3 gene, results from an A to T substitution at nucleotide position 4442. The lysine at codon 1481 is replaced by methionine, an amino acid with similar properties. This amino acid position is conserved. In addition, this alteration is predicted to be tolerated by in silico analysis. Based on the available evidence, the clinical significance of this variant remains unclear.

NM_020778.5(ALPK3):c.3836A>T (p.Lys1279Met)

Gene: ALPK3 (alpha kinase 3; plus strand). Cytogenetic location: 15q25.3.
Variant type: single nucleotide variant.
Coding change: c.3836A>T on transcript NM_020778.5 (MANE Select); coding-DNA position 3836, A replaced by T.
Protein change: p.Lys1279Met; replaces lysine 1279 with methionine.
Molecular consequence: missense variant.
Genome position (GRCh38, 1-based): chr15:84,859,261, A>T. VCF-style: chr15-84859261-A-T. GRCh37 (hg19) VCF-style: chr15-85402492-A-T.
Other names: short protein forms K1279M.
Identifiers: ClinVar variation 3291476 (VCV003291476.3).